The following is an entry in ClinVar:

NM_025137.4(SPG11):c.5476A>G (p.Ile1826Val)

Gene: SPG11 (SPG11 vesicle trafficking associated, spatacsin; minus strand). Cytogenetic location: 15q21.1.
Variant type: single nucleotide variant.
Coding change: c.5476A>G on transcript NM_025137.4 (MANE Select); coding-DNA position 5476, A replaced by G.
Protein change: p.Ile1826Val; replaces isoleucine 1826 with valine.
Molecular consequence: missense variant.
Genome position (GRCh38, 1-based): chr15:44,584,204, T>C on the plus strand (A>G on the coding strand, the complement: SPG11 is on the minus strand). VCF-style: chr15-44584204-T-C. GRCh37 (hg19) VCF-style: chr15-44876402-T-C.
Other names: c.5476A>G, p.Ile1826Val (NM_001160227.2); short protein forms I1826V.
Identifiers: ClinVar variation 1007005 (VCV001007005.8), dbSNP rs1251056690, ClinGen allele CA392222461.

ClinVar aggregate classification (germline): Uncertain significance (1 of 4 stars; one submission).

Conditions:
Hereditary spastic paraplegia 11. Also called: Spastic Paraplegia 11; SPASTIC PARAPLEGIA, AUTOSOMAL RECESSIVE, COMPLICATED, WITH THIN CORPUS CALLOSUM; SPASTIC PARAPLEGIA, AUTOSOMAL RECESSIVE, WITH MENTAL IMPAIRMENT AND THIN CORPUS CALLOSUM; Nakamura Osame syndrome; Autosomal recessive hereditary spastic paraplegia, mental impairment, and thin corpus callosum; Spastic paraplegia, mental retardation and thin corpus callosum. Identifiers: Orphanet 2822, MedGen C1858479, MONDO:0011445, OMIM 604360.

gnomAD v4.1: 1 of 1,614,210 alleles (0.000062%); highest among the groups gnomAD compares: African/African-American, 0.0013%; no homozygotes.

Submission:

Labcorp Genetics (formerly Invitae), Labcorp
Classification: Uncertain significance for Hereditary spastic paraplegia 11. Last evaluated: 2020-10-01. Review status: criteria provided, single submitter. Criteria: Invitae Variant Classification Sherloc (09022015). Collection method: clinical testing. Allele origin: germline.
Comment: This sequence change replaces isoleucine with valine at codon 1826 of the SPG11 protein (p.Ile1826Val). The isoleucine residue is moderately conserved and there is a small physicochemical difference between isoleucine and valine. This variant is not present in population databases (ExAC no frequency). This variant has not been reported in the literature in individuals with SPG11-related conditions. Algorithms developed to predict the effect of missense changes on protein structure and function (SIFT, PolyPhen-2, Align-GVGD) all suggest that this variant is likely to be tolerated, but these predictions have not been confirmed by published functional studies and their clinical significance is uncertain. In summary, the available evidence is currently insufficient to determine the role of this variant in disease. Therefore, it has been classified as a Variant of Uncertain Significance.